The following is an entry in ClinVar:

NC_000002.11:g.(?_172749695)_(172750724_?)dup

Gene: SLC25A12 (solute carrier family 25 member 12; minus strand). Cytogenetic location: 2q31.1.
Variant type: Duplication.
Identifiers: ClinVar variation 2424736 (VCV002424736.3).

ClinVar aggregate classification (germline): Uncertain significance (1 of 4 stars; one submission).

Submission:

Labcorp Genetics (formerly Invitae), Labcorp
Classification: Uncertain significance. Last evaluated: 2022-06-24. Review status: criteria provided, single submitter. Criteria: Invitae Variant Classification Sherloc (09022015). Collection method: clinical testing. Allele origin: germline.
Comment: This variant results in a copy number gain of the genomic region encompassing exon(s) 1-2 of the SLC25A12 gene. This region includes the initiator codon of the gene. This copy number gain extends beyond the assayed region for this gene and therefore may encompass additional genes. As the precise location of this event is unknown, it may be in tandem or it may be located elsewhere in the genome. This variant has not been reported in the literature in individuals affected with SLC25A12-related conditions. Experimental studies and prediction algorithms are not available or were not evaluated, and the functional significance of this variant is currently unknown. In summary, the available evidence is currently insufficient to determine the role of this variant in disease. Therefore, it has been classified as a Variant of Uncertain Significance.